The following is an entry in ClinVar:

ClinVar aggregate classification (germline): Uncertain significance. Review status: criteria provided, multiple submitters, no conflicts (2 of 4 stars). 3 submissions from 3 submitters: Uncertain significance (3). Last evaluated 2025-02-02.

Conditions:
Hereditary nonpolyposis colorectal neoplasms. Identifiers: MedGen C0009405, MeSH D003123.
Hereditary cancer-predisposing syndrome. Also called: Hereditary Cancer Syndrome; Neoplastic Syndromes, Hereditary; Tumor predisposition; Hereditary neoplastic syndrome. Identifiers: Orphanet 140162, MedGen C0027672, MeSH D009386, MONDO:0015356.

Submissions (3):

Labcorp Genetics (formerly Invitae), Labcorp
Classification: Uncertain significance for Hereditary nonpolyposis colorectal neoplasms. Last evaluated: 2025-02-02. Review status: criteria provided, single submitter. Criteria: Invitae Variant Classification Sherloc (09022015). Collection method: clinical testing. Allele origin: germline.
Comment: This sequence change replaces histidine, which is basic and polar, with aspartic acid, which is acidic and polar, at codon 833 of the PMS2 protein (p.His833Asp). The frequency data for this variant in the population databases (gnomAD) is considered unreliable due to the presence of homologous sequence, such as pseudogenes or paralogs, in the genome. This variant has not been reported in the literature in individuals affected with PMS2-related conditions. ClinVar contains an entry for this variant (Variation ID: 480306). Invitae Evidence Modeling incorporating data from in vitro experimental studies (internal data) indicates that this missense variant is not expected to disrupt PMS2 function with a negative predictive value of 95%. In summary, the available evidence is currently insufficient to determine the role of this variant in disease. Therefore, it has been classified as a Variant of Uncertain Significance.

Ambry Genetics
Classification: Uncertain significance for Hereditary cancer-predisposing syndrome. Last evaluated: 2024-11-07. Review status: criteria provided, single submitter. Criteria: Ambry Variant Classification Scheme 2023. Collection method: clinical testing. Allele origin: germline.
Comment: The p.H833D variant (also known as c.2497C>G), located in coding exon 15 of the PMS2 gene, results from a C to G substitution at nucleotide position 2497. The histidine at codon 833 is replaced by aspartic acid, an amino acid with similar properties. This amino acid position is highly conserved in available vertebrate species. In addition, this alteration is predicted to be deleterious by in silico analysis. Based on the available evidence, the clinical significance of this variant remains unclear.

Quest Diagnostics Nichols Institute San Juan Capistrano
Classification: Uncertain significance. Last evaluated: 2019-12-24. Review status: criteria provided, single submitter. Criteria: Quest Diagnostics criteria. Collection method: clinical testing. Allele origin: unknown.

NM_000535.7(PMS2):c.2497C>G (p.His833Asp)

Gene: PMS2 (PMS1 homolog 2, mismatch repair system component; minus strand). Cytogenetic location: 7p22.1.
Variant type: single nucleotide variant.
Coding change: c.2497C>G on transcript NM_000535.7 (MANE Select); coding-DNA position 2497, C replaced by G.
Protein change: p.His833Asp; replaces histidine 833 with aspartic acid.
Molecular consequence: missense variant. On other transcripts: non-coding transcript variant (1).
Genome position (GRCh38, 1-based): chr7:5,973,491, G>C on the plus strand (C>G on the coding strand, the complement: PMS2 is on the minus strand). VCF-style: chr7-5973491-G-C. GRCh37 (hg19) VCF-style: chr7-6013122-G-C.
Other names: c.2092C>G, p.His698Asp (NM_001322003.2, NM_001322004.2, NM_001322005.2); c.2341C>G, p.His781Asp (NM_001322006.2); c.2179C>G, p.His727Asp (NM_001322007.2, NM_001322008.2); c.2125C>G, p.His709Asp (NM_001322009.2); c.1936C>G, p.His646Asp (NM_001322010.2); c.1564C>G, p.His522Asp (NM_001322011.2, NM_001322012.2); c.1924C>G, p.His642Asp (NM_001322013.2); c.2530C>G, p.His844Asp (NM_001322014.2); and 1 more; short protein forms H833D, H646D, H709D, H727D, H844D, H642D, H730D, H522D.
Identifiers: ClinVar variation 480306 (VCV000480306.14), dbSNP rs777470381, ClinGen allele CA366734934.